The following is an entry in ClinVar:

ClinVar aggregate classification (germline): Benign/Likely benign. Review status: criteria provided, multiple submitters, no conflicts (2 of 4 stars). 2 submissions from 2 submitters: Benign (1); Likely benign (1). Last evaluated 2025-04-29.

Conditions:
Tuberous sclerosis 1 (TSC1). Identifiers: Orphanet 805, MedGen C1854465, MONDO:0008612, OMIM 191100.

Submissions (2):

Myriad Genetics, Inc.
Classification: Benign for Tuberous sclerosis 1. Last evaluated: 2025-04-29. Review status: criteria provided, single submitter. Criteria: Myriad Autosomal Dominant, Autosomal Recessive and X-Linked Classification Criteria (2023). Collection method: clinical testing. Allele origin: unknown.
Comment: This variant is considered benign. This variant is a silent/synonymous amino acid change and it is not expected to impact splicing.

Labcorp Genetics (formerly Invitae), Labcorp
Classification: Likely benign for Tuberous sclerosis 1. Last evaluated: 2024-09-15. Review status: criteria provided, single submitter. Criteria: Invitae Variant Classification Sherloc (09022015). Collection method: clinical testing. Allele origin: germline.

NM_000368.5(TSC1):c.2724G>C (p.Arg908=)

Gene: TSC1 (TSC complex subunit 1; minus strand). Cytogenetic location: 9q34.13.
Variant type: single nucleotide variant.
Coding change: c.2724G>C on transcript NM_000368.5 (MANE Select); coding-DNA position 2724, G replaced by C.
Protein change: p.Arg908=; no amino-acid change (arginine 908 retained).
Molecular consequence: synonymous variant. On other transcripts: non-coding transcript variant (5).
Genome position (GRCh38, 1-based): chr9:132,897,512, C>G on the plus strand (G>C on the coding strand, the complement: TSC1 is on the minus strand). VCF-style: chr9-132897512-C-G. GRCh37 (hg19) VCF-style: chr9-135772899-C-G.
Other names: c.2706G>C, p.Arg902= (NM_001406603.1, NM_001406604.1); c.2682G>C, p.Arg894= (NM_001406605.1, NM_001406606.1, NM_001406607.1); c.2679G>C, p.Arg893= (NM_001406608.1, NM_001406609.1); c.2571G>C, p.Arg857= (NM_001406610.1, NM_001162427.2); c.2568G>C, p.Arg856= (NM_001406611.1, NM_001406612.1); c.2526G>C, p.Arg842= (NM_001406613.1); c.2361G>C, p.Arg787= (NM_001406614.1, NM_001406615.1, NM_001406616.1 and 4 more transcripts); c.2358G>C, p.Arg786= (NM_001406620.1, NM_001406621.1, NM_001406622.1 and 1 more transcripts); and 8 more.
Identifiers: ClinVar variation 3692986 (VCV003692986.3).